The following is an entry in ClinVar:

ClinVar aggregate classification (germline): Uncertain significance (1 of 4 stars; one submission).

Submission:

Labcorp Genetics (formerly Invitae), Labcorp
Classification: Uncertain significance. Last evaluated: 2021-04-29. Review status: criteria provided, single submitter. Criteria: Invitae Variant Classification Sherloc (09022015). Collection method: clinical testing. Allele origin: germline.
Comment: This variant is not present in population databases (ExAC no frequency). This sequence change replaces glycine with arginine at codon 922 of the RAI1 protein (p.Gly922Arg). The glycine residue is highly conserved and there is a moderate physicochemical difference between glycine and arginine. This variant has not been reported in the literature in individuals with RAI1-related conditions. Algorithms developed to predict the effect of missense changes on protein structure and function (SIFT, PolyPhen-2, Align-GVGD) all suggest that this variant is likely to be disruptive, but these predictions have not been confirmed by published functional studies and their clinical significance is uncertain. Algorithms developed to predict the effect of sequence changes on RNA splicing suggest that this variant may create or strengthen a splice site, but this prediction has not been confirmed by published transcriptional studies. In summary, the available evidence is currently insufficient to determine the role of this variant in disease. Therefore, it has been classified as a Variant of Uncertain Significance.

NM_030665.4(RAI1):c.2764G>A (p.Gly922Arg)

Gene: RAI1 (retinoic acid induced 1; plus strand). Cytogenetic location: 17p11.2.
Variant type: single nucleotide variant.
Coding change: c.2764G>A on transcript NM_030665.4 (MANE Select); coding-DNA position 2764, G replaced by A.
Protein change: p.Gly922Arg; replaces glycine 922 with arginine.
Molecular consequence: missense variant.
Genome position (GRCh38, 1-based): chr17:17,795,712, G>A. VCF-style: chr17-17795712-G-A. GRCh37 (hg19) VCF-style: chr17-17699026-G-A.
Other names: short protein forms G922R.
Identifiers: ClinVar variation 1391758 (VCV001391758.8), dbSNP rs2143002393, ClinGen allele CA398551946.
Genomic context (GRCh38, chr17:17,795,712, plus strand): 5'-GAGGAGGTGGAGGAGGTGCTGGACTCCAAGGCCGGCTGGGGCTCTCCGTGCCACCTCTCA[G>A]GGGAGTCCGTCATCCTGCTGGGCCCTACAGTGGGCACCGAGTCAAAGGTCCAGAGCTGGT-3'
Protein context (NP_109590.3, residues 912-932): AGWGSPCHLS[Gly922Arg]ESVILLGPTV